The following is an entry in ClinVar:

NM_000261.2(MYOC):c.1188G>A (p.Glu396=)

Gene: MYOC (myocilin; minus strand). Cytogenetic location: 1q24.3.
Variant type: single nucleotide variant.
Coding change: c.1188G>A on transcript NM_000261.2 (MANE Select); coding-DNA position 1188, G replaced by A.
Protein change: p.Glu396=; no amino-acid change (glutamic acid 396 retained).
Molecular consequence: synonymous variant.
Genome position (GRCh38, 1-based): chr1:171,636,252, C>T on the plus strand (G>A on the coding strand, the complement: MYOC is on the minus strand). VCF-style: chr1-171636252-C-T. GRCh37 (hg19) VCF-style: chr1-171605392-C-T.
Other names: NM_000261.2(MYOC):c.1188G>A; p.Glu396=.
Identifiers: ClinVar variation 293708 (VCV000293708.18), dbSNP rs61730975, ClinGen allele CA1244067.

ClinVar aggregate classification (germline): Benign. Review status: reviewed by expert panel (3 of 4 stars). 5 submissions from 4 submitters: Benign (1). 4 of the submissions do not count toward it. Last evaluated 2026-01-12.

Conditions:
Open-angle glaucoma. Identifiers: MedGen C0017612, MONDO:0005338, HP:0012108.
Glaucoma 1, open angle, A (GLC1A). Also called: Glaucoma, Dominant (Juvenile Onset). Identifiers: Orphanet 98977, MedGen C1842028, MONDO:0007664, OMIM 137750.
Glaucoma. Identifiers: MedGen C0017601, MONDO:0005041, HP:0000501.

Allele frequency attached by ClinVar (database versions not stated): gnomAD exomes 0.00071 and 0.00208; ExAC 0.00250; gnomAD 0.00798 and 0.00852; 1000 Genomes Project 30x 0.00843; TOPMed 0.00892; ESP Exome Variant Server 0.00923; 1000 Genomes Project 0.00938.
gnomAD v4.1: 2,302 of 1,614,114 alleles (0.14%); highest among the groups gnomAD compares: African/African-American, 2.8%; 26 homozygotes.

Submissions (5):

ClinGen Glaucoma Variant Curation Expert Panel
Classification: Benign for Open-angle glaucoma. Last evaluated: 2026-01-12. Review status: reviewed by expert panel. Criteria: ClinGen Glaucoma ACMG Specifications V2.0.0 Approved. Collection method: curation. Allele origin: germline. Inheritance: Autosomal dominant inheritance.
Comment: The c.1188G>A variant in MYOC is a synonymous variant (p.Glu396=). The highest minor allele frequency of this variant was in the African/African American genetic ancestry group of gnomAD (v4.1.0) = 0.02759, which met the ≥ 0.01 threshold set for BA1 (2,069 alleles out of 74,990, meeting the threshold of ≥ 5 of at least 2,000 observed alleles). The SpliceAI score = 0.02, which met the ≤ 0.1 threshold for BP4, suggesting that the variant does not impact MYOC function. This synonymous variant is located outside of the first and the last 3 bases of the exon and BP4 is met, so BP7 is met. There was no functional evidence predicting a damaging or benign impact of this variant on MYOC function. As BA1 was met, PP1 did not apply and segregations were not counted. Although probands with primary open angle glaucoma have been reported carrying this variant, PM2_Supporting was not met, therefore PS4 did not apply. In summary, this variant was classified as benign (BA1 is a stand-alone criterion for a benign level of pathogenicity) for primary open angle glaucoma based on the ACMG/AMP criteria met, as specified by the ClinGen Glaucoma VCEP (v2.0.0, 5 Dec 2024): BA1, BP4, BP7

Labcorp Genetics (formerly Invitae), Labcorp
Classification: Benign. Last evaluated: 2025-06-12. Review status: criteria provided, single submitter. Criteria: Invitae Variant Classification Sherloc (09022015). Collection method: clinical testing. Allele origin: germline. Not counted in ClinVar's aggregate classification.

GeneDx
Classification: Likely benign. Last evaluated: 2021-03-17. Review status: criteria provided, single submitter. Criteria: GeneDx Variant Classification Process June 2021. Collection method: clinical testing. Allele origin: germline. Affected: yes. Not counted in ClinVar's aggregate classification.

Illumina Laboratory Services, Illumina
Classification: Likely benign for Glaucoma. Last evaluated: 2018-01-12. Review status: criteria provided, single submitter. Criteria: ICSL Variant Classification Criteria 13 December 2019. Collection method: clinical testing. Allele origin: germline. Not counted in ClinVar's aggregate classification.
Comment: This variant was observed in the ICSL laboratory as part of a predisposition screen in an ostensibly healthy population. It had not been previously curated by ICSL or reported in the Human Gene Mutation Database (HGMD: prior to June 1st, 2018), and was therefore a candidate for classification through an automated scoring system. Utilizing variant allele frequency, disease prevalence and penetrance estimates, and inheritance mode, an automated score was calculated to assess if this variant is too frequent to cause the disease. Based on the score and internal cut-off values, a variant classified as likely benign is not then subjected to further curation. The score for this variant resulted in a classification of likely benign for this disease.

Illumina Laboratory Services, Illumina
Classification: Benign for Glaucoma 1, open angle, A. Last evaluated: 2018-01-12. Review status: criteria provided, single submitter. Criteria: ICSL Variant Classification Criteria 13 December 2019. Collection method: clinical testing. Allele origin: germline. Not counted in ClinVar's aggregate classification.
Comment: This variant was observed in the ICSL laboratory as part of a predisposition screen in an ostensibly healthy population. It had not been previously curated by ICSL or reported in the Human Gene Mutation Database (HGMD: prior to June 1st, 2018), and was therefore a candidate for classification through an automated scoring system. Utilizing variant allele frequency, disease prevalence and penetrance estimates, and inheritance mode, an automated score was calculated to assess if this variant is too frequent to cause the disease. Based on the score and internal cut-off values, a variant classified as benign is not then subjected to further curation. The score for this variant resulted in a classification of benign for this disease.